The following is an entry in ClinVar:

NM_004385.5(VCAN):c.9875G>A (p.Gly3292Glu)

Gene: VCAN (versican; plus strand). Cytogenetic location: 5q14.3.
Variant type: single nucleotide variant.
Coding change: c.9875G>A on transcript NM_004385.5 (MANE Select); coding-DNA position 9875, G replaced by A.
Protein change: p.Gly3292Glu; replaces glycine 3292 with glutamic acid.
Molecular consequence: missense variant.
Genome position (GRCh38, 1-based): chr5:83,572,555, G>A. VCF-style: chr5-83572555-G-A. GRCh37 (hg19) VCF-style: chr5-82868374-G-A.
Other names: c.1652G>A, p.Gly551Glu (NM_001126336.3); c.6914G>A, p.Gly2305Glu (NM_001164097.2); c.4613G>A, p.Gly1538Glu (NM_001164098.2); short protein forms G3292E, G551E, G1538E, G2305E.
Identifiers: ClinVar variation 1950763 (VCV001950763.5), dbSNP rs1165724198, ClinGen allele CA360298859.

ClinVar aggregate classification (germline): Uncertain significance (1 of 4 stars; one submission).

Submission:

Labcorp Genetics (formerly Invitae), Labcorp
Classification: Uncertain significance. Last evaluated: 2022-05-18. Review status: criteria provided, single submitter. Criteria: Invitae Variant Classification Sherloc (09022015). Collection method: clinical testing. Allele origin: germline.
Comment: This variant has not been reported in the literature in individuals affected with VCAN-related conditions. Algorithms developed to predict the effect of missense changes on protein structure and function are either unavailable or do not agree on the potential impact of this missense change (SIFT: "Deleterious"; PolyPhen-2: "Possibly Damaging"; Align-GVGD: "Class C0"). In summary, the available evidence is currently insufficient to determine the role of this variant in disease. Therefore, it has been classified as a Variant of Uncertain Significance. This sequence change replaces glycine, which is neutral and non-polar, with glutamic acid, which is acidic and polar, at codon 3292 of the VCAN protein (p.Gly3292Glu). This variant is present in population databases (no rsID available, gnomAD 0.006%).